The following is an entry in ClinVar:

ClinVar aggregate classification (germline): Conflicting classifications of pathogenicity. Review status: criteria provided, conflicting classifications (1 of 4 stars). 3 submissions from 3 submitters: Uncertain significance (2); Likely benign (1). Last evaluated 2023-12-18.

Conditions:
Inborn genetic diseases. Identifiers: MedGen C0950123, MeSH D030342.

Allele frequency attached by ClinVar (database versions not stated): gnomAD exomes 0.00007; ExAC 0.00015; 1000 Genomes Project 0.00020; ESP Exome Variant Server 0.00022; gnomAD 0.00029 and 0.00032; 1000 Genomes Project 30x 0.00031; TOPMed 0.00035.
gnomAD v4.1: 92 of 1,550,492 alleles (0.0059%); highest among the groups gnomAD compares: African/African-American, 0.12%; no homozygotes.

Submissions (3):

Ambry Genetics
Classification: Uncertain significance for Inborn genetic diseases. Last evaluated: 2023-12-18. Review status: criteria provided, single submitter. Criteria: Ambry Variant Classification Scheme 2023. Collection method: clinical testing. Allele origin: germline.

Labcorp Genetics (formerly Invitae), Labcorp
Classification: Uncertain significance. Last evaluated: 2023-12-11. Review status: criteria provided, single submitter. Criteria: Invitae Variant Classification Sherloc (09022015). Collection method: clinical testing. Allele origin: germline.
Comment: This sequence change replaces alanine, which is neutral and non-polar, with serine, which is neutral and polar, at codon 45 of the ARHGEF18 protein (p.Ala45Ser). This variant is present in population databases (rs375239593, gnomAD 0.1%). This variant has not been reported in the literature in individuals affected with ARHGEF18-related conditions. ClinVar contains an entry for this variant (Variation ID: 1057785). An algorithm developed to predict the effect of missense changes on protein structure and function (PolyPhen-2) suggests that this variant¬†is likely to be tolerated. In summary, the available evidence is currently insufficient to determine the role of this variant in disease. Therefore, it has been classified as a Variant of Uncertain Significance.

Blueprint Genetics
Classification: Likely benign. Last evaluated: 2022-02-25. Review status: criteria provided, single submitter. Criteria: ACMG Guidelines, 2015. Collection method: clinical testing. Allele origin: germline.

NM_001367823.1(ARHGEF18):c.968-271G>T

Gene: ARHGEF18 (Rho/Rac guanine nucleotide exchange factor 18; plus strand). Cytogenetic location: 19p13.2.
Variant type: single nucleotide variant.
Coding change: c.968-271G>T on transcript NM_001367823.1 (MANE Select); 271 bases into the intron before coding-DNA position 968, G replaced by T.
Molecular consequence: intron variant. On other transcripts: 5 prime UTR variant (1).
Genome position (GRCh38, 1-based): chr19:7,440,073, G>T. VCF-style: chr19-7440073-G-T. GRCh37 (hg19) VCF-style: chr19-7504959-G-T.
Other names: c.-30G>T (NM_001130955.2); c.-226-116G>T (NM_001367824.1); c.-71-271G>T (NM_015318.4); c.133G>T (NM_001130955.1).
Identifiers: ClinVar variation 1057785 (VCV001057785.9), dbSNP rs375239593, ClinGen allele CA9136265.